The following is an entry in ClinVar:

ClinVar aggregate classification (germline): Pathogenic (1 of 4 stars; one submission).

Conditions:
Achondrogenesis, type IB (ACG1B). Also called: Achondrogenesis Type 1B. Identifiers: Orphanet 932, Orphanet 93298, MedGen C0265274, MONDO:0010966, OMIM 600972.
Diastrophic dysplasia (DTD). Also called: Diastrophic dwarfism. Identifiers: Orphanet 628, MedGen C0220726, MONDO:0009107, OMIM 222600.
Multiple epiphyseal dysplasia type 4 (EDM4). Also called: Multiple Epiphyseal Dysplasia, Recessive; MULTIPLE EPIPHYSEAL DYSPLASIA WITH BILAYERED PATELLAE; MULTIPLE EPIPHYSEAL DYSPLASIA WITH CLUBFOOT; MULTIPLE EPIPHYSEAL DYSPLASIA, AUTOSOMAL RECESSIVE; SLC26A2-Related Multiple Epiphyseal Dysplasia. Identifiers: Orphanet 93307, MedGen C1847593, MONDO:0009189, OMIM 226900.
Atelosteogenesis type II (AO2). Also called: NEONATAL OSSEOUS DYSPLASIA I; Neonatal osseous dysplasia 1; SLC26A2-Related Atelosteogenesis. Identifiers: Orphanet 56304, MedGen C1850554, MONDO:0009727, OMIM 256050.

Allele frequency attached by ClinVar (database versions not stated): TOPMed below 0.00001; gnomAD 0.00001.
gnomAD v4.1: 1 of 1,613,896 alleles (0.000062%); highest among the groups gnomAD compares: Non-Finnish European, 0.000085%; no homozygotes.

Submission:

Labcorp Genetics (formerly Invitae), Labcorp
Classification: Pathogenic for Atelosteogenesis type II; Multiple epiphyseal dysplasia type 4; Achondrogenesis, type IB; Diastrophic dysplasia. Last evaluated: 2023-05-31. Review status: criteria provided, single submitter. Criteria: Invitae Variant Classification Sherloc (09022015). Collection method: clinical testing. Allele origin: germline.
Comment: For these reasons, this variant has been classified as Pathogenic. This variant has not been reported in the literature in individuals affected with SLC26A2-related conditions. This variant is not present in population databases (gnomAD no frequency). This sequence change creates a premature translational stop signal (p.Gln125*) in the SLC26A2 gene. It is expected to result in an absent or disrupted protein product. Loss-of-function variants in SLC26A2 are known to be pathogenic (PMID: 7923357, 10482955, 11241838).

Literature cited by the submitters: PubMed 7923357; PubMed 10482955; PubMed 11241838.

NM_000112.4(SLC26A2):c.373C>T (p.Gln125Ter)

Gene: SLC26A2 (solute carrier family 26 member 2; plus strand). Cytogenetic location: 5q32.
Variant type: single nucleotide variant.
Coding change: c.373C>T on transcript NM_000112.4 (MANE Select); coding-DNA position 373, C replaced by T.
Protein change: p.Gln125Ter; replaces glutamine 125 with a stop codon.
Molecular consequence: nonsense.
Genome position (GRCh38, 1-based): chr5:149,978,025, C>T. VCF-style: chr5-149978025-C-T. GRCh37 (hg19) VCF-style: chr5-149357588-C-T.
Other names: short protein forms Q125*.
Identifiers: ClinVar variation 2939718 (VCV002939718.3), dbSNP rs1219390670, ClinGen allele CA361704858.